The following is an entry in ClinVar:

ClinVar aggregate classification (germline): Uncertain significance (1 of 4 stars; one submission).

Conditions:
Early-infantile DEE. Also called: Ohtahara syndrome; Early infantile epileptic encephalopathy with suppression bursts; Early infantile epileptic encephalopathy. Identifiers: Orphanet 1934, MedGen C0393706, MONDO:0800491.

Submission:

Labcorp Genetics (formerly Invitae), Labcorp
Classification: Uncertain significance for Early-infantile DEE. Last evaluated: 2023-06-10. Review status: criteria provided, single submitter. Criteria: Invitae Variant Classification Sherloc (09022015). Collection method: clinical testing. Allele origin: germline.
Comment: This variant has not been reported in the literature in individuals affected with SPTAN1-related conditions. ClinVar contains an entry for this variant (Variation ID: 2033765). In summary, the available evidence is currently insufficient to determine the role of this variant in disease. Therefore, it has been classified as a Variant of Uncertain Significance. This variant is not present in population databases (gnomAD no frequency). This variant, c.2666_2686dup, results in the insertion of 7 amino acid(s) of the SPTAN1 protein (p.Ser889_Tyr895dup), but otherwise preserves the integrity of the reading frame.

NM_001130438.3(SPTAN1):c.2666_2686dup (p.Tyr895_Phe896insSerLeuGlnAlaGlnGlnTyr)

Gene: SPTAN1 (spectrin alpha, non-erythrocytic 1; plus strand). Cytogenetic location: 9q34.11.
Variant type: Duplication.
Coding change: c.2666_2686dup on transcript NM_001130438.3 (MANE Select); coding-DNA positions 2666 to 2686, 21 bases duplicated (CTCTGCAGGCCCAGCAGTACT).
Protein change: p.Tyr895_Phe896insSerLeuGlnAlaGlnGlnTyr.
Molecular consequence: inframe insertion.
Genome position (GRCh38, 1-based): chr9:128,585,853-128,585,873, CTCTGCAGGCCCAGCAGTACT duplicated; duplicating any 21 consecutive bases within chr9:128,585,850-128,585,873 gives the same sequence; the c. name uses the placement nearest the transcript's 3' end. VCF-style (leftmost placement, unchanged base first): chr9-128585849-G-GACTCTCTGCAGGCCCAGCAGT. GRCh37 (hg19) VCF-style: chr9-131348128-G-GACTCTCTGCAGGCCCAGCAGT.
Other names: c.2666_2686dup, p.Tyr895_Phe896insSerLeuGlnAlaGlnGlnTyr (NM_001195532.2, NM_001363759.2, NM_001363765.2 and 5 more transcripts); c.2702_2722dup, p.Tyr907_Phe908insSerLeuGlnAlaGlnGlnTyr (NM_001375312.2, NM_001375318.1).
Identifiers: ClinVar variation 2033765 (VCV002033765.4), dbSNP rs2541240245, ClinGen allele CA2580079742.